The following is an entry in ClinVar:

NM_000275.3(OCA2):c.1306C>G (p.Leu436Val)

Gene: OCA2 (OCA2 melanosomal transmembrane protein; minus strand). Cytogenetic location: 15q13.1.
Variant type: single nucleotide variant.
Coding change: c.1306C>G on transcript NM_000275.3 (MANE Select); coding-DNA position 1306, C replaced by G.
Protein change: p.Leu436Val; replaces leucine 436 with valine.
Molecular consequence: missense variant.
Genome position (GRCh38, 1-based): chr15:27,985,122, G>C on the plus strand (C>G on the coding strand, the complement: OCA2 is on the minus strand). VCF-style: chr15-27985122-G-C. GRCh37 (hg19) VCF-style: chr15-28230268-G-C.
Other names: c.1234C>G, p.Leu412Val (NM_001300984.2); short protein forms L412V, L436V.
Identifiers: ClinVar variation 2042245 (VCV002042245.1), dbSNP rs2041306820, ClinGen allele CA391360610.

ClinVar aggregate classification (germline): Uncertain significance (1 of 4 stars; one submission).

Submission:

Labcorp Genetics (formerly Invitae), Labcorp
Classification: Uncertain significance. Last evaluated: 2022-08-22. Review status: criteria provided, single submitter. Criteria: Invitae Variant Classification Sherloc (09022015). Collection method: clinical testing. Allele origin: germline.
Comment: This sequence change replaces leucine, which is neutral and non-polar, with valine, which is neutral and non-polar, at codon 436 of the OCA2 protein (p.Leu436Val). This variant is not present in population databases (gnomAD no frequency). This variant has not been reported in the literature in individuals affected with OCA2-related conditions. Algorithms developed to predict the effect of missense changes on protein structure and function are either unavailable or do not agree on the potential impact of this missense change (SIFT: "Tolerated"; PolyPhen-2: "Possibly Damaging"; Align-GVGD: "Class C0"). In summary, the available evidence is currently insufficient to determine the role of this variant in disease. Therefore, it has been classified as a Variant of Uncertain Significance.